The following is an entry in ClinVar:

ClinVar aggregate classification (germline): Uncertain significance (1 of 4 stars; one submission).

Conditions:
Pyogenic arthritis-pyoderma gangrenosum-acne syndrome (PAPA). Also called: PAPA SYNDROME; FAMILIAL RECURRENT ARTHRITIS. Identifiers: Orphanet 69126, MedGen C1858361, MONDO:0011462, OMIM 604416.

Submission:

Labcorp Genetics (formerly Invitae), Labcorp
Classification: Uncertain significance for Pyogenic arthritis-pyoderma gangrenosum-acne syndrome. Last evaluated: 2020-03-16. Review status: criteria provided, single submitter. Criteria: Invitae Variant Classification Sherloc (09022015). Collection method: clinical testing. Allele origin: germline.
Comment: This sequence change replaces glutamine with histidine at codon 193 of the PSTPIP1 protein (p.Gln193His). The glutamine residue is moderately conserved and there is a small physicochemical difference between glutamine and histidine. This variant is not present in population databases (ExAC no frequency). In summary, the available evidence is currently insufficient to determine the role of this variant in disease. Therefore, it has been classified as a Variant of Uncertain Significance. Algorithms developed to predict the effect of missense changes on protein structure and function are either unavailable or do not agree on the potential impact of this missense change (SIFT: "Tolerated"; PolyPhen-2: "Possibly Damaging"; Align-GVGD: "Class C0"). This variant has not been reported in the literature in individuals with PSTPIP1-related conditions.

NM_003978.5(PSTPIP1):c.579G>T (p.Gln193His)

Gene: PSTPIP1 (proline-serine-threonine phosphatase interacting protein 1; plus strand). Cytogenetic location: 15q24.3.
Variant type: single nucleotide variant.
Coding change: c.579G>T on transcript NM_003978.5 (MANE Select); coding-DNA position 579, G replaced by T.
Protein change: p.Gln193His; replaces glutamine 193 with histidine.
Molecular consequence: missense variant.
Genome position (GRCh38, 1-based): chr15:77,030,518, G>T. VCF-style: chr15-77030518-G-T. GRCh37 (hg19) VCF-style: chr15-77322859-G-T.
Other names: c.579G>T, p.Gln193His (NM_001321135.2); c.552G>T, p.Gln184His (NM_001321136.2); c.774G>T, p.Gln258His (NM_001321137.1); short protein forms Q258H, Q184H, Q193H.
Identifiers: ClinVar variation 1039981 (VCV001039981.8), dbSNP rs2076388885, ClinGen allele CA393520662.